The following is an entry in ClinVar:

ClinVar aggregate classification (germline): Conflicting classifications of pathogenicity. Review status: criteria provided, conflicting classifications (1 of 4 stars). 2 submissions from 2 submitters: Uncertain significance (1); Likely benign (1). Last evaluated 2026-09-11.

Conditions:
Hereditary cancer-predisposing syndrome. Also called: Tumor predisposition; Hereditary neoplastic syndrome; Neoplastic Syndromes, Hereditary; Hereditary Cancer Syndrome. Identifiers: Orphanet 140162, MedGen C0027672, MeSH D009386, MONDO:0015356.
Peutz-Jeghers syndrome (PJS). Also called: POLYPOSIS, HAMARTOMATOUS INTESTINAL; POLYPS-AND-SPOTS SYNDROME; Peutz-Jeghers polyposis; Periorificial lentiginosis syndrome. Identifiers: Orphanet 2869, MedGen C0031269, MeSH D010580, MONDO:0008280, OMIM 175200.

Submissions (2):

Ambry Genetics
Classification: Likely benign for Hereditary cancer-predisposing syndrome. Last evaluated: 2026-09-11. Review status: criteria provided, single submitter. Criteria: Ambry Variant Classification Scheme 2023. Collection method: clinical testing. Allele origin: germline.

Labcorp Genetics (formerly Invitae), Labcorp
Classification: Uncertain significance for Peutz-Jeghers syndrome. Last evaluated: 2025-08-20. Review status: criteria provided, single submitter. Criteria: Invitae Variant Classification Sherloc (09022015). Collection method: clinical testing. Allele origin: germline.
Comment: This sequence change replaces aspartic acid, which is acidic and polar, with asparagine, which is neutral and polar, at codon 348 of the STK11 protein (p.Asp348Asn). This variant is not present in population databases (gnomAD no frequency). This variant has not been reported in the literature in individuals affected with STK11-related conditions. ClinVar contains an entry for this variant (Variation ID: 856097). Invitae Evidence Modeling of protein sequence and biophysical properties (such as structural, functional, and spatial information, amino acid conservation, physicochemical variation, residue mobility, and thermodynamic stability) indicates that this missense variant is not expected to disrupt STK11 protein function with a negative predictive value of 95%. In summary, the available evidence is currently insufficient to determine the role of this variant in disease. Therefore, it has been classified as a Variant of Uncertain Significance.

NM_000455.5(STK11):c.1042G>A (p.Asp348Asn)

Genes: STK11 (serine/threonine kinase 11; plus strand), LOC130062899 (ATAC-STARR-seq lymphoblastoid active region 13597; plus strand). Cytogenetic location: 19p13.3.
Variant type: single nucleotide variant.
Coding change: c.1042G>A on transcript NM_000455.5 (MANE Select); coding-DNA position 1042, G replaced by A.
Protein change: p.Asp348Asn; replaces aspartic acid 348 with asparagine.
Molecular consequence: missense variant.
Genome position (GRCh38, 1-based): chr19:1,223,106, G>A. VCF-style: chr19-1223106-G-A. GRCh37 (hg19) VCF-style: chr19-1223105-G-A.
Other names: short protein forms D348N.
Identifiers: ClinVar variation 856097 (VCV000856097.12), dbSNP rs2080797253, ClinGen allele CA402951803.